The following is an entry in ClinVar:

NM_001142864.4(PIEZO1):c.1974C>T (p.Asn658=)

Genes: HSALR1 (HSP90AB1 associated lncRNA 1; plus strand), PIEZO1 (piezo type mechanosensitive ion channel component 1 (Er blood group); minus strand). Cytogenetic location: 16q24.3.
Variant type: single nucleotide variant.
Coding change: c.1974C>T on transcript NM_001142864.4 (MANE Select); coding-DNA position 1974, C replaced by T.
Protein change: p.Asn658=; no amino-acid change (asparagine 658 retained).
Molecular consequence: synonymous variant.
Genome position (GRCh38, 1-based): chr16:88,734,673, G>A on the plus strand (C>T on the coding strand, the complement: PIEZO1 is on the minus strand). VCF-style: chr16-88734673-G-A. GRCh37 (hg19) VCF-style: chr16-88801081-G-A.
Identifiers: ClinVar variation 4534766 (VCV004534766.6).

ClinVar aggregate classification (germline): Likely benign (1 of 4 stars; one submission).

gnomAD v4.1: 7 of 1,550,192 alleles (0.00045%); highest among the groups gnomAD compares: Admixed American, 0.002%; no homozygotes.

Submission:

CeGaT Center for Human Genetics Tuebingen
Classification: Likely benign. Last evaluated: 2025-11-01. Review status: criteria provided, single submitter. Criteria: CeGaT Center For Human Genetics Tuebingen Variant Classification Criteria Version 2. Collection method: clinical testing. Allele origin: germline. Affected: yes. Observed: 1 variant allele.
Comment: PIEZO1: BP4, BP7